The following is an entry in ClinVar:

ClinVar aggregate classification (germline): Uncertain significance. Review status: criteria provided, multiple submitters, no conflicts (2 of 4 stars). 2 submissions from 2 submitters: Uncertain significance (2). Last evaluated 2025-04-14.

Conditions:
Hereditary cancer-predisposing syndrome. Also called: Hereditary neoplastic syndrome; Tumor predisposition; Neoplastic Syndromes, Hereditary; Hereditary Cancer Syndrome. Identifiers: Orphanet 140162, MedGen C0027672, MeSH D009386, MONDO:0015356.

Allele frequency attached by ClinVar (database versions not stated): gnomAD exomes below 0.00001.
gnomAD v4.1: 1 of 1,614,096 alleles (0.000062%); highest among the groups gnomAD compares: East Asian, 0.0022%; no homozygotes.

Submissions (2):

Labcorp Genetics (formerly Invitae), Labcorp
Classification: Uncertain significance. Last evaluated: 2025-04-14. Review status: criteria provided, single submitter. Criteria: Invitae Variant Classification Sherloc (09022015). Collection method: clinical testing. Allele origin: germline.
Comment: This sequence change replaces lysine, which is basic and polar, with asparagine, which is neutral and polar, at codon 2069 of the POLE protein (p.Lys2069Asn). This variant is not present in population databases (gnomAD no frequency). This variant has not been reported in the literature in individuals affected with POLE-related conditions. ClinVar contains an entry for this variant (Variation ID: 655345). Invitae Evidence Modeling of protein sequence and biophysical properties (such as structural, functional, and spatial information, amino acid conservation, physicochemical variation, residue mobility, and thermodynamic stability) indicates that this missense variant is not expected to disrupt POLE protein function with a negative predictive value of 80%. In summary, the available evidence is currently insufficient to determine the role of this variant in disease. Therefore, it has been classified as a Variant of Uncertain Significance.

Ambry Genetics
Classification: Uncertain significance for Hereditary cancer-predisposing syndrome. Last evaluated: 2022-09-18. Review status: criteria provided, single submitter. Criteria: Ambry Variant Classification Scheme 2023. Collection method: clinical testing. Allele origin: germline.
Comment: The p.K2069N variant (also known as c.6207G>T), located in coding exon 45 of the POLE gene, results from a G to T substitution at nucleotide position 6207. The lysine at codon 2069 is replaced by asparagine, an amino acid with similar properties. This amino acid position is conserved. In addition, this alteration is predicted to be tolerated by in silico analysis. Since supporting evidence is limited at this time, the clinical significance of this alteration remains unclear.

NM_006231.4(POLE):c.6207G>T (p.Lys2069Asn)

Gene: POLE (DNA polymerase epsilon, catalytic subunit; minus strand). Cytogenetic location: 12q24.33.
Variant type: single nucleotide variant.
Coding change: c.6207G>T on transcript NM_006231.4 (MANE Select); coding-DNA position 6207, G replaced by T.
Protein change: p.Lys2069Asn; replaces lysine 2069 with asparagine.
Molecular consequence: missense variant.
Genome position (GRCh38, 1-based): chr12:132,632,438, C>A on the plus strand (G>T on the coding strand, the complement: POLE is on the minus strand). VCF-style: chr12-132632438-C-A. GRCh37 (hg19) VCF-style: chr12-133209024-C-A.
Other names: short protein forms K2069N.
Identifiers: ClinVar variation 655345 (VCV000655345.10), dbSNP rs1593708047, ClinGen allele CA387369713.